The following is an entry in ClinVar:

ClinVar aggregate classification (germline): Uncertain significance (1 of 4 stars; one submission).

Submissions (2):

GeneDx
Classification: Uncertain significance. Last evaluated: 2023-06-18. Review status: criteria provided, single submitter. Criteria: GeneDx Variant Classification Process June 2021. Collection method: clinical testing. Allele origin: germline. Affected: yes.
Comment: Not observed at significant frequency in large population cohorts (gnomAD); In silico analysis supports that this missense variant has a deleterious effect on protein structure/function; Has not been previously published as pathogenic or benign to our knowledge

Dr. Peter K. Rogan Lab, Western University
No classification provided (evidence only). Condition: Thyroid cancer, nonmedullary, 1. Review status: no classification provided. Collection method: in vitro. Allele origin: not applicable. Functional consequence: retained intron. Not counted in ClinVar's aggregate classification.

NM_002547.3(OPHN1):c.1686G>T (p.Lys562Asn)

Gene: OPHN1 (oligophrenin 1; minus strand). Cytogenetic location: Xq12.
Variant type: single nucleotide variant.
Coding change: c.1686G>T on transcript NM_002547.3 (MANE Select); coding-DNA position 1686, G replaced by T.
Protein change: p.Lys562Asn; replaces lysine 562 with asparagine.
Molecular consequence: missense variant.
Genome position (GRCh38, 1-based): chrX:68,096,870, C>A on the plus strand (G>T on the coding strand, the complement: OPHN1 is on the minus strand). VCF-style: chrX-68096870-C-A. GRCh37 (hg19) VCF-style: chrX-67316712-C-A.
Other names: NC_000023.10:g.67316712C>A; short protein forms K562N.
Identifiers: ClinVar variation 3252866 (VCV003252866.2), dbSNP rs2519675643.